The following is an entry in ClinVar:

NM_205836.3(FBXO38):c.326G>A (p.Gly109Asp)

Gene: FBXO38 (F-box protein 38; plus strand). Cytogenetic location: 5q32.
Variant type: single nucleotide variant.
Coding change: c.326G>A on transcript NM_205836.3 (MANE Select); coding-DNA position 326, G replaced by A.
Protein change: p.Gly109Asp; replaces glycine 109 with aspartic acid.
Molecular consequence: missense variant.
Genome position (GRCh38, 1-based): chr5:148,402,045, G>A. VCF-style: chr5-148402045-G-A. GRCh37 (hg19) VCF-style: chr5-147781608-G-A.
Other names: c.326G>A, p.Gly109Asp (NM_001271723.2, NM_030793.5); short protein forms G109D.
Identifiers: ClinVar variation 1505800 (VCV001505800.8), dbSNP rs2113531978, ClinGen allele CA361654762.

ClinVar aggregate classification (germline): Uncertain significance (1 of 4 stars; one submission).

Conditions:
Distal hereditary motor neuropathy type 2. Identifiers: Orphanet 139525, MedGen C3711384, MeSH C580044, MONDO:0015352.

Submission:

Labcorp Genetics (formerly Invitae), Labcorp
Classification: Uncertain significance for Distal hereditary motor neuropathy type 2. Last evaluated: 2022-08-09. Review status: criteria provided, single submitter. Criteria: Invitae Variant Classification Sherloc (09022015). Collection method: clinical testing. Allele origin: germline.
Comment: In summary, the available evidence is currently insufficient to determine the role of this variant in disease. Therefore, it has been classified as a Variant of Uncertain Significance. Algorithms developed to predict the effect of missense changes on protein structure and function are either unavailable or do not agree on the potential impact of this missense change (SIFT: "Deleterious"; PolyPhen-2: "Probably Damaging"; Align-GVGD: "Class C0"). ClinVar contains an entry for this variant (Variation ID: 1505800). This variant has not been reported in the literature in individuals affected with FBXO38-related conditions. This variant is not present in population databases (gnomAD no frequency). This sequence change replaces glycine, which is neutral and non-polar, with aspartic acid, which is acidic and polar, at codon 109 of the FBXO38 protein (p.Gly109Asp).